The following is an entry in ClinVar:

ClinVar aggregate classification (germline): Uncertain significance (1 of 4 stars; one submission).

Conditions:
Hereditary cancer-predisposing syndrome. Also called: Hereditary Cancer Syndrome; Hereditary neoplastic syndrome; Neoplastic Syndromes, Hereditary; Tumor predisposition. Identifiers: Orphanet 140162, MedGen C0027672, MeSH D009386, MONDO:0015356.

Submission:

Ambry Genetics
Classification: Uncertain significance for Hereditary cancer-predisposing syndrome. Last evaluated: 2022-05-05. Review status: criteria provided, single submitter. Criteria: Ambry Variant Classification Scheme 2023. Collection method: clinical testing. Allele origin: germline.
Comment: The p.Q425H variant (also known as c.1275G>T), located in coding exon 2 of the MET gene, results from a G to T substitution at nucleotide position 1275. The glutamine at codon 425 is replaced by histidine, an amino acid with highly similar properties. This amino acid position is conserved. In addition, this alteration is predicted to be tolerated by in silico analysis. Since supporting evidence is limited at this time, the clinical significance of this alteration remains unclear.

NM_000245.4(MET):c.1275G>T (p.Gln425His)

Gene: MET (MET proto-oncogene, receptor tyrosine kinase; plus strand). Cytogenetic location: 7q31.2.
Variant type: single nucleotide variant.
Coding change: c.1275G>T on transcript NM_000245.4 (MANE Select); coding-DNA position 1275, G replaced by T.
Protein change: p.Gln425His; replaces glutamine 425 with histidine.
Molecular consequence: missense variant. On other transcripts: 5 prime UTR variant (1).
Genome position (GRCh38, 1-based): chr7:116,731,742, G>T. VCF-style: chr7-116731742-G-T. GRCh37 (hg19) VCF-style: chr7-116371796-G-T.
Other names: c.1275G>T, p.Gln425His (NM_001127500.3, NM_001324401.3); c.-16G>T (NM_001324402.2); short protein forms Q425H.
Identifiers: ClinVar variation 1766477 (VCV001766477.2), dbSNP rs201181441, ClinGen allele CA368972828.
Genomic context (GRCh38, chr7:116,731,742, plus strand): 5'-TTCATCAGGCTGTGAAGCGCGCCGTGATGAATATCGAACAGAGTTTACCACAGCTTTGCA[G>T]CGCGTTGACTTATTCATGGGTCAATTCAGCGAAGTCCTCTTAACATCTATATCCACCTTC-3'
Protein context (NP_000236.2, residues 415-435): EYRTEFTTAL[Gln425His]RVDLFMGQFS